The following is an entry in ClinVar:

NM_001130987.2(DYSF):c.4306G>C (p.Gly1436Arg)

Gene: DYSF (dysferlin; plus strand). Cytogenetic location: 2p13.2.
Variant type: single nucleotide variant.
Coding change: c.4306G>C on transcript NM_001130987.2 (MANE Select); coding-DNA position 4306, G replaced by C.
Protein change: p.Gly1436Arg; replaces glycine 1436 with arginine.
Molecular consequence: missense variant.
Genome position (GRCh38, 1-based): chr2:71,612,725, G>C. VCF-style: chr2-71612725-G-C. GRCh37 (hg19) VCF-style: chr2-71839855-G-C.
Other names: c.4255G>C, p.Gly1419Arg (NM_001130455.2, NM_001130983.2); c.4210G>C, p.Gly1404Arg (NM_001130976.2, NM_001130977.2); c.4252G>C, p.Gly1418Arg (NM_001130978.2, NM_003494.4); c.4345G>C, p.Gly1449Arg (NM_001130979.2); c.4303G>C, p.Gly1435Arg (NM_001130980.2, NM_001130981.2); c.4348G>C, p.Gly1450Arg (NM_001130982.2); c.4213G>C, p.Gly1405Arg (NM_001130984.2, NM_001130986.2); c.4306G>C, p.Gly1436Arg (NM_001130985.2); short protein forms G1404R, G1405R, G1418R, G1419R, G1435R, G1436R, G1449R, G1450R.
Identifiers: ClinVar variation 4081644 (VCV004081644.1).

ClinVar aggregate classification (germline): Likely pathogenic (1 of 4 stars; one submission).

Conditions:
Autosomal recessive limb-girdle muscular dystrophy. Identifiers: Orphanet 102015, MedGen C2931907, MONDO:0015152.

Submission:

Myriad Genetics, Inc.
Classification: Likely pathogenic for Autosomal recessive limb-girdle muscular dystrophy. Last evaluated: 2025-03-31. Review status: criteria provided, single submitter. Criteria: Myriad Autosomal Dominant, Autosomal Recessive and X-Linked Classification Criteria (2023). Collection method: clinical testing. Allele origin: unknown.
Comment: NM_003494.3(DYSF):c.4252G>C(G1418R) is a missense variant classified as likely pathogenic in the context of dysferlinopathy. G1418R has been observed in a case with relevant disease (PMID: 33927379). Relevant functional assessments of this variant are not available in the literature. Internal structural analysis of the variant is supportive of pathogenicity. G1418R has not been observed in referenced population frequency databases. In summary, NM_003494.3(DYSF):c.4252G>C(G1418R) is a missense variant that has internal structural support for pathogenicity and has been observed more frequently in cases with the relevant disease than in healthy populations. Please note: this variant was assessed in the context of healthy population screening.

Literature cited by the submitters: PubMed 33927379.